The following is an entry in ClinVar:

NM_024675.4(PALB2):c.2396C>G (p.Thr799Ser)

Gene: PALB2 (partner and localizer of BRCA2; minus strand). Cytogenetic location: 16p12.2.
Variant type: single nucleotide variant.
Coding change: c.2396C>G on transcript NM_024675.4 (MANE Select); coding-DNA position 2396, C replaced by G.
Protein change: p.Thr799Ser; replaces threonine 799 with serine.
Molecular consequence: missense variant. On other transcripts: intron variant (1).
Genome position (GRCh38, 1-based): chr16:23,629,758, G>C on the plus strand (C>G on the coding strand, the complement: PALB2 is on the minus strand). VCF-style: chr16-23629758-G-C. GRCh37 (hg19) VCF-style: chr16-23641079-G-C.
Other names: c.2396C>G, p.Thr799Ser (NM_001407297.1, NM_001407298.1, NM_001407299.1 and 3 more transcripts); c.1511C>G, p.Thr504Ser (NM_001407304.1, NM_001407305.1, NM_001407306.1 and 5 more transcripts); c.608C>G, p.Thr203Ser (NM_001407312.1, NM_001407313.1); c.49-483C>G (NM_001407314.1); c.2336C>G, p.Thr779Ser (NM_001407296.1); short protein forms T504S, T779S, T203S, T799S.
Identifiers: ClinVar variation 3654761 (VCV003654761.4).
Genomic context (GRCh38, chr16:23,629,758, plus strand): 5'-TTAAAAGTGAATGACTCAATGGGTGGAGGTGTTCCTGGCGGGACAGAGTCACAGTCACAG[G>C]TAGGTTGTCCTTGCCTGCCTGACACTTGCAGGGTGGTATGTGGTTTTGCTGGGCTGCCTG-3'
Protein context (NP_078951.2, residues 789-809): LQVSGRQGQP[Thr799Ser]CDCDSVPPGT

ClinVar aggregate classification (germline): Uncertain significance. Review status: criteria provided, multiple submitters, no conflicts (2 of 4 stars). 2 submissions from 2 submitters: Uncertain significance (2). Last evaluated 2025-07-08.

Conditions:
Breast-ovarian cancer, familial, susceptibility to, 5 (BROVCA5). Identifiers: MedGen C5830615, MONDO:0957530, OMIM 620442.
Familial cancer of breast. Also called: BREAST CANCER, FAMILIAL; hereditary breast carcinoma; Hereditary breast cancer. Identifiers: Orphanet 227535, MedGen C0346153, MONDO:0016419, OMIM 114480. Disease mechanism: loss of function.

Submissions (2):

Dasa
Classification: Uncertain significance for Breast-ovarian cancer, familial, susceptibility to, 5. Last evaluated: 2025-07-08. Review status: criteria provided, single submitter. Criteria: DASA Assertion Criteria. Collection method: clinical testing. Allele origin: germline.
Comment: NM_024675.4(PALB2):c.2396C>G (p.Thr799Ser) is a missense variant that results in the substitution of threonine with serine. This variant is absent from population databases. The currently available literature and clinical evidence are not sufficient to establish a definitive association between this variant and the reported condition. Therefore, this variant is classified as a variant of uncertain significance.

Labcorp Genetics (formerly Invitae), Labcorp
Classification: Uncertain significance for Familial cancer of breast. Last evaluated: 2024-05-27. Review status: criteria provided, single submitter. Criteria: Invitae Variant Classification Sherloc (09022015). Collection method: clinical testing. Allele origin: germline.
Comment: This sequence change replaces threonine, which is neutral and polar, with serine, which is neutral and polar, at codon 799 of the PALB2 protein (p.Thr799Ser). This variant is not present in population databases (gnomAD no frequency). This variant has not been reported in the literature in individuals affected with PALB2-related conditions. Advanced modeling of protein sequence and biophysical properties (such as structural, functional, and spatial information, amino acid conservation, physicochemical variation, residue mobility, and thermodynamic stability) performed at Invitae indicates that this missense variant is not expected to disrupt PALB2 protein function with a negative predictive value of 80%. In summary, the available evidence is currently insufficient to determine the role of this variant in disease. Therefore, it has been classified as a Variant of Uncertain Significance.